The following is an entry in ClinVar:

NM_001130009.3(GEN1):c.199G>T (p.Asp67Tyr)

Gene: GEN1 (GEN1 structure-specific endonuclease; plus strand). Cytogenetic location: 2p24.2.
Variant type: single nucleotide variant.
Coding change: c.199G>T on transcript NM_001130009.3 (MANE Select); coding-DNA position 199, G replaced by T.
Protein change: p.Asp67Tyr; replaces aspartic acid 67 with tyrosine.
Molecular consequence: missense variant.
Genome position (GRCh38, 1-based): chr2:17,761,433, G>T. VCF-style: chr2-17761433-G-T. GRCh37 (hg19) VCF-style: chr2-17942700-G-T.
Other names: c.199G>T, p.Asp67Tyr (NM_182625.5); short protein forms D67Y.
Identifiers: ClinVar variation 4844985 (VCV004844985.1).
Genomic context (GRCh38, chr2:17,761,433, plus strand): 5'-TATTACTAATTTATATATTTCAGGAACTTATTTTTTCGTATCTCATATTTAACACAAATG[G>T]ATGTAAAACTGGTATTTGTTATGGAAGGGGAACCACCAAAGCTGAAAGCTGATGTCATAA-3'
Protein context (NP_001123481.3, residues 57-77): FFRISYLTQM[Asp67Tyr]VKLVFVMEGE

ClinVar aggregate classification (germline): Uncertain significance (1 of 4 stars; one submission).

gnomAD v4.1: 2 of 1,607,664 alleles (0.00012%); highest among the groups gnomAD compares: Non-Finnish European, 0.00017%; no homozygotes.

Submission:

Ambry Genetics
Classification: Uncertain significance. Last evaluated: 2026-02-19. Review status: criteria provided, single submitter. Criteria: Ambry Variant Classification Scheme 2023. Collection method: clinical testing. Allele origin: germline.
Comment: The p.D67Y variant (also known as c.199G>T), located in coding exon 2 of the GEN1 gene, results from a G to T substitution at nucleotide position 199. The aspartic acid at codon 67 is replaced by tyrosine, an amino acid with highly dissimilar properties. This amino acid position is conserved. In addition, this alteration is predicted to be tolerated by in silico analysis. Based on the available evidence, the clinical significance of this variant remains unclear.